The following is an entry in ClinVar:

NM_006796.3(AFG3L2):c.153A>C (p.Arg51Ser)

Gene: AFG3L2 (AFG3 like matrix AAA peptidase subunit 2; minus strand). Cytogenetic location: 18p11.21.
Variant type: single nucleotide variant.
Coding change: c.153A>C on transcript NM_006796.3 (MANE Select); coding-DNA position 153, A replaced by C.
Protein change: p.Arg51Ser; replaces arginine 51 with serine.
Molecular consequence: missense variant.
Genome position (GRCh38, 1-based): chr18:12,371,653, T>G on the plus strand (A>C on the coding strand, the complement: AFG3L2 is on the minus strand). VCF-style: chr18-12371653-T-G. GRCh37 (hg19) VCF-style: chr18-12371652-T-G.
Other names: short protein forms R51S.
Identifiers: ClinVar variation 4802085 (VCV004802085.1).

ClinVar aggregate classification (germline): Uncertain significance (1 of 4 stars; one submission).

gnomAD v4.1: 17 of 1,614,002 alleles (0.0011%); highest among the groups gnomAD compares: Non-Finnish European, 0.0014%; no homozygotes.

Submission:

Labcorp Genetics (formerly Invitae), Labcorp
Classification: Uncertain significance. Last evaluated: 2025-09-03. Review status: criteria provided, single submitter. Criteria: Invitae Variant Classification Sherloc (09022015). Collection method: clinical testing. Allele origin: germline.
Comment: This sequence change replaces arginine, which is basic and polar, with serine, which is neutral and polar, at codon 51 of the AFG3L2 protein (p.Arg51Ser). This variant is present in population databases (rs748149058, gnomAD 0.009%). This variant has not been reported in the literature in individuals affected with AFG3L2-related conditions. Invitae Evidence Modeling of protein sequence and biophysical properties (such as structural, functional, and spatial information, amino acid conservation, physicochemical variation, residue mobility, and thermodynamic stability) indicates that this missense variant is not expected to disrupt AFG3L2 protein function with a negative predictive value of 95%. In summary, the available evidence is currently insufficient to determine the role of this variant in disease. Therefore, it has been classified as a Variant of Uncertain Significance.